The following is an entry in ClinVar:

ClinVar aggregate classification (germline): Uncertain significance (1 of 4 stars; one submission).

Conditions:
Familial thoracic aortic aneurysm and aortic dissection (TAAD). Also called: Thoracic aortic aneurysms and dissections. Identifiers: Orphanet 91387, MedGen C4707243, MONDO:0019625.

gnomAD v4.1: 1 of 1,614,112 alleles (0.000062%); highest among the groups gnomAD compares: Non-Finnish European, 0.000085%; no homozygotes.

Submission:

Labcorp Genetics (formerly Invitae), Labcorp
Classification: Uncertain significance for Familial thoracic aortic aneurysm and aortic dissection. Last evaluated: 2025-12-14. Review status: criteria provided, single submitter. Criteria: Invitae Variant Classification Sherloc (09022015). Collection method: clinical testing. Allele origin: germline.
Comment: This sequence change replaces aspartic acid, which is acidic and polar, with asparagine, which is neutral and polar, at codon 216 of the MAT2A protein (p.Asp216Asn). This variant is not present in population databases (gnomAD no frequency). This variant has not been reported in the literature in individuals affected with MAT2A-related conditions. Invitae Evidence Modeling of protein sequence and biophysical properties (such as structural, functional, and spatial information, amino acid conservation, physicochemical variation, residue mobility, and thermodynamic stability) indicates that this missense variant is not expected to disrupt MAT2A protein function with a negative predictive value of 80%. In summary, the available evidence is currently insufficient to determine the role of this variant in disease. Therefore, it has been classified as a Variant of Uncertain Significance.

NM_005911.6(MAT2A):c.646G>A (p.Asp216Asn)

Genes: GGCX (gamma-glutamyl carboxylase; minus strand), MAT2A (methionine adenosyltransferase 2A; plus strand). Cytogenetic location: 2p11.2.
Variant type: single nucleotide variant.
Coding change: c.646G>A on transcript NM_005911.6 (MANE Select); coding-DNA position 646, G replaced by A.
Protein change: p.Asp216Asn; replaces aspartic acid 216 with asparagine.
Molecular consequence: missense variant.
Genome position (GRCh38, 1-based): chr2:85,542,251, G>A. VCF-style: chr2-85542251-G-A. GRCh37 (hg19) VCF-style: chr2-85769374-G-A.
Other names: short protein forms D216N.
Identifiers: ClinVar variation 4740577 (VCV004740577.1).
Genomic context (GRCh38, chr2:85,542,251, plus strand): 5'-CTTCCCATCAGAGTCCACACAATTGTTATATCTGTTCAGCATGATGAAGAGGTTTGTCTT[G>A]ATGAAATGAGGGATGCCCTAAAGGAGAAAGTCATCAAAGCAGTTGTGCCTGCGAAATACC-3'
Protein context (NP_005902.1, residues 206-226): SVQHDEEVCL[Asp216Asn]EMRDALKEKV